The following is an entry in ClinVar:

ClinVar aggregate classification (germline): Uncertain significance (0 of 4 stars; one submission).

Conditions:
Seizure. Also called: Seizures. Identifiers: MedGen C0036572, HP:0001250.
Neurodevelopmental delay. Identifiers: MedGen C4022738, HP:0012758.
Esophageal atresia. Also called: Esophageal atresia (disease). Identifiers: MedGen C0014850, MeSH D004933, MONDO:0001044, HP:0002032.
Ventricular septal defect. Identifiers: MedGen C0018818, MONDO:0002070, HP:0001629.

Submission:

Clinical Genetics Research Group, Karolinska Institutet
Classification: Uncertain significance for Esophageal atresia; Ventricular septal defect; Neurodevelopmental delay; Seizure. Last evaluated: 2019-05-01. Review status: no assertion criteria provided. Collection method: research. Allele origin: de novo. Affected: yes.
Comment: The variant occured together with a pathogenic complex variant on chromosome 15 with coordinates chr15:22676913-30137106 resulting in partial tetrasomy 15 in mosaic form.

GRCh37/hg19 15q26.3(chr15:100923767-101626187)

Genes: ALDH1A3 (aldehyde dehydrogenase 1 family member A3; plus strand), ASB7 (ankyrin repeat and SOCS box containing 7; plus strand), CERS3 (ceramide synthase 3; minus strand), LINS1 (lines homolog 1; minus strand), LRRK1 (leucine rich repeat kinase 1; plus strand). Cytogenetic location: 15q26.3.
Variant type: copy number loss.
Identifiers: ClinVar variation 638671 (VCV000638671.2).